The following is an entry in ClinVar:

NM_018489.3(ASH1L):c.1278C>T (p.Ala426=)

Gene: ASH1L (ASH1 like histone lysine methyltransferase; minus strand). Cytogenetic location: 1q22.
Variant type: single nucleotide variant.
Coding change: c.1278C>T on transcript NM_018489.3 (MANE Select); coding-DNA position 1278, C replaced by T.
Protein change: p.Ala426=; no amino-acid change (alanine 426 retained).
Molecular consequence: synonymous variant.
Genome position (GRCh38, 1-based): chr1:155,481,592, G>A on the plus strand (C>T on the coding strand, the complement: ASH1L is on the minus strand). VCF-style: chr1-155481592-G-A. GRCh37 (hg19) VCF-style: chr1-155451383-G-A.
Other names: c.1278C>T, p.Ala426= (NM_001366177.2).
Identifiers: ClinVar variation 4083834 (VCV004083834.9).

ClinVar aggregate classification (germline): Likely benign. Review status: criteria provided, multiple submitters, no conflicts (2 of 4 stars). 2 submissions from 2 submitters: Likely benign (2). Last evaluated 2025-06-01.

gnomAD v4.1: 19 of 1,614,068 alleles (0.0012%); highest among the groups gnomAD compares: Middle Eastern, 0.033%; no homozygotes.

Submissions (2):

CeGaT Center for Human Genetics Tuebingen
Classification: Likely benign. Last evaluated: 2025-06-01. Review status: criteria provided, single submitter. Criteria: CeGaT Center For Human Genetics Tuebingen Variant Classification Criteria Version 2. Collection method: clinical testing. Allele origin: germline. Affected: yes. Observed: 1 variant allele.
Comment: ASH1L: BP4, BP7

Blueprint Genetics
Classification: Likely benign. Last evaluated: 2023-05-22. Review status: criteria provided, single submitter. Criteria: ACMG Guidelines, 2015. Collection method: clinical testing. Allele origin: germline.